The following is an entry in ClinVar:

ClinVar aggregate classification (germline): Uncertain significance (0 of 4 stars; one submission).

Conditions:
HECTD4-related disorder. Also called: HECTD4-related condition.

Submission:

PreventionGenetics, part of Exact Sciences
Classification: Uncertain significance for HECTD4-related condition. Last evaluated: 2024-01-02. Review status: no assertion criteria provided. Collection method: clinical testing. Allele origin: germline.
Comment: The HECTD4 c.8716G>T variant is predicted to result in the amino acid substitution p.Val2906Leu. To our knowledge, this variant has not been reported in the literature or in a large population database, indicating this variant is rare. At this time, the clinical significance of this variant is uncertain due to the absence of conclusive functional and genetic evidence.

NM_001388303.1(HECTD4):c.9118G>T (p.Val3040Leu)

Gene: HECTD4 (HECT domain E3 ubiquitin protein ligase 4; minus strand). Cytogenetic location: 12q24.13.
Variant type: single nucleotide variant.
Coding change: c.9118G>T on transcript NM_001388303.1 (MANE Select); coding-DNA position 9118, G replaced by T.
Protein change: p.Val3040Leu; replaces valine 3040 with leucine.
Molecular consequence: missense variant.
Genome position (GRCh38, 1-based): chr12:112,192,734, C>A on the plus strand (G>T on the coding strand, the complement: HECTD4 is on the minus strand). VCF-style: chr12-112192734-C-A. GRCh37 (hg19) VCF-style: chr12-112630538-C-A.
Other names: c.9148G>T, p.Val3050Leu (NM_001109662.4); short protein forms V3040L, V3050L.
Identifiers: ClinVar variation 3032279 (VCV003032279.2), dbSNP rs2499796820, ClinGen allele CA386774573.